The following is an entry in ClinVar:

ClinVar aggregate classification (germline): Uncertain significance. Review status: criteria provided, multiple submitters, no conflicts (2 of 4 stars). 3 submissions from 3 submitters: Uncertain significance (3). Last evaluated 2026-01-11.

Allele frequency attached by ClinVar (database versions not stated): ESP Exome Variant Server 0.00023; ExAC 0.00026; gnomAD 0.00026 and 0.00027; TOPMed 0.00035; gnomAD exomes 0.00038; 1000 Genomes Project 0.00040; 1000 Genomes Project 30x 0.00047.
gnomAD v4.1: 274 of 1,614,246 alleles (0.017%); highest among the groups gnomAD compares: Middle Eastern, 0.23%; 1 homozygote.

Submissions (3):

Labcorp Genetics (formerly Invitae), Labcorp
Classification: Uncertain significance. Last evaluated: 2026-01-11. Review status: criteria provided, single submitter. Criteria: Invitae Variant Classification Sherloc (09022015). Collection method: clinical testing. Allele origin: germline.
Comment: This sequence change replaces phenylalanine, which is neutral and non-polar, with leucine, which is neutral and non-polar, at codon 262 of the SLC7A14 protein (p.Phe262Leu). This variant is present in population databases (rs190070175, gnomAD 0.2%), and has an allele count higher than expected for a pathogenic variant. This variant has not been reported in the literature in individuals affected with SLC7A14-related conditions. ClinVar contains an entry for this variant (Variation ID: 841763). An algorithm developed to predict the effect of missense changes on protein structure and function (PolyPhen-2) suggests that this variant is likely to be disruptive. In summary, the available evidence is currently insufficient to determine the role of this variant in disease. Therefore, it has been classified as a Variant of Uncertain Significance.

Blueprint Genetics
Classification: Uncertain significance. Last evaluated: 2024-10-18. Review status: criteria provided, single submitter. Criteria: ACMG Guidelines, 2015. Collection method: clinical testing. Allele origin: germline.

Ambry Genetics
Classification: Uncertain significance. Last evaluated: 2021-10-26. Review status: criteria provided, single submitter. Criteria: Ambry Variant Classification Scheme 2023. Collection method: clinical testing. Allele origin: germline.

NM_020949.3(SLC7A14):c.786C>G (p.Phe262Leu)

Genes: SLC7A14 (solute carrier family 7 member 14; minus strand), SLC7A14-AS1 (SLC7A14 antisense RNA 1; plus strand). Cytogenetic location: 3q26.2.
Variant type: single nucleotide variant.
Coding change: c.786C>G on transcript NM_020949.3 (MANE Select); coding-DNA position 786, C replaced by G.
Protein change: p.Phe262Leu; replaces phenylalanine 262 with leucine.
Molecular consequence: missense variant.
Genome position (GRCh38, 1-based): chr3:170,486,342, G>C on the plus strand (C>G on the coding strand, the complement: SLC7A14 is on the minus strand). VCF-style: chr3-170486342-G-C. GRCh37 (hg19) VCF-style: chr3-170204131-G-C.
Other names: short protein forms F262L.
Identifiers: ClinVar variation 841763 (VCV000841763.10), dbSNP rs190070175, ClinGen allele CA2701809.